The following is an entry in ClinVar:

NM_004863.4(SPTLC2):c.620G>A (p.Arg207Gln)

Gene: SPTLC2 (serine palmitoyltransferase long chain base subunit 2; minus strand). Cytogenetic location: 14q24.3.
Variant type: single nucleotide variant.
Coding change: c.620G>A on transcript NM_004863.4 (MANE Select); coding-DNA position 620, G replaced by A.
Protein change: p.Arg207Gln; replaces arginine 207 with glutamine.
Molecular consequence: missense variant.
Genome position (GRCh38, 1-based): chr14:77,576,778, C>T on the plus strand (G>A on the coding strand, the complement: SPTLC2 is on the minus strand). VCF-style: chr14-77576778-C-T. GRCh37 (hg19) VCF-style: chr14-78043121-C-T.
Other names: short protein forms R207Q.
Identifiers: ClinVar variation 665330 (VCV000665330.10), dbSNP rs751801159, ClinGen allele CA7289412.
Genomic context (GRCh38, chr14:77,576,778, plus strand): 5'-CTAAAACAATGTCAAAAACAGCAGCTGGCCAAATACAGCTTTCACTTACCAATTTCCTGC[C>T]GAGTACTGCACACTCCAGCTCCATACTCCTCAAGGACTTTGGCGGCTGCTTCTTGACATG-3'
Protein context (NP_004854.1, residues 197-217): EEYGAGVCST[Arg207Gln]QEIGNLDKHE

ClinVar aggregate classification (germline): Uncertain significance. Review status: criteria provided, multiple submitters, no conflicts (2 of 4 stars). 2 submissions from 2 submitters: Uncertain significance (2). Last evaluated 2025-01-14.

Conditions:
Inborn genetic diseases. Identifiers: MedGen C0950123, MeSH D030342.
Neuropathy, hereditary sensory and autonomic, type 1C. Also called: HSAN IC; HSN IC. Identifiers: Orphanet 36386, MedGen C3150896, MONDO:0013337, OMIM 613640.

Allele frequency attached by ClinVar (database versions not stated): ExAC 0.00001; gnomAD exomes 0.00001.
gnomAD v4.1: 28 of 1,614,110 alleles (0.0017%); highest among the groups gnomAD compares: Non-Finnish European, 0.0024%; no homozygotes.

Submissions (2):

Labcorp Genetics (formerly Invitae), Labcorp
Classification: Uncertain significance for Neuropathy, hereditary sensory and autonomic, type 1C. Last evaluated: 2025-01-14. Review status: criteria provided, single submitter. Criteria: Invitae Variant Classification Sherloc (09022015). Collection method: clinical testing. Allele origin: germline.
Comment: This sequence change replaces arginine, which is basic and polar, with glutamine, which is neutral and polar, at codon 207 of the SPTLC2 protein (p.Arg207Gln). This variant is present in population databases (rs751801159, gnomAD 0.002%). This variant has not been reported in the literature in individuals affected with SPTLC2-related conditions. ClinVar contains an entry for this variant (Variation ID: 665330). Invitae Evidence Modeling of protein sequence and biophysical properties (such as structural, functional, and spatial information, amino acid conservation, physicochemical variation, residue mobility, and thermodynamic stability) indicates that this missense variant is expected to disrupt SPTLC2 protein function with a positive predictive value of 95%. In summary, the available evidence is currently insufficient to determine the role of this variant in disease. Therefore, it has been classified as a Variant of Uncertain Significance.

Ambry Genetics
Classification: Uncertain significance for Inborn genetic diseases. Last evaluated: 2020-01-17. Review status: criteria provided, single submitter. Criteria: Ambry Variant Classification Scheme 2023. Collection method: clinical testing. Allele origin: germline.
Comment: The p.R207Q variant (also known as c.620G>A), located in coding exon 4 of the SPTLC2 gene, results from a G to A substitution at nucleotide position 620. The arginine at codon 207 is replaced by glutamine, an amino acid with highly similar properties. This amino acid position is highly conserved in available vertebrate species. In addition, this alteration is predicted to be deleterious by in silico analysis. Since supporting evidence is limited at this time, the clinical significance of this alteration remains unclear.